The following is an entry in ClinVar:

GRCh38/hg38 21q22.3(chr21:41285201-46670405)x1

Genes: LRRC3 (leucine rich repeat containing 3; plus strand), LRRC3-DT (LRRC3 divergent transcript; minus strand), LSS (lanosterol synthase; minus strand), MCM3AP (minichromosome maintenance complex component 3 associated protein; minus strand), MCM3AP-AS1 (MCM3AP antisense RNA 1; plus strand) and 414 more. Cytogenetic location: 21q22.3.
Variant type: copy number loss.
Change: copy number 1 (one copy instead of two) of chr21:41,285,201-46,670,405 (5.39 Mb, GRCh38 coordinates, 1-based), cytogenetic band 21q22.3.
Identifiers: ClinVar variation 57337 (VCV000057337.1).

ClinVar aggregate classification (germline): Pathogenic (1 of 4 stars; one submission).

Submission:

ISCA site 4
Classification: Pathogenic. Last evaluated: 2011-08-12. Review status: criteria provided, single submitter. Criteria: Kaminsky et al. (Genet Med. 2011). Collection method: clinical testing. Allele origin: unknown. Affected: yes. Observed: 1 variant allele.
Comment: Copy number variation identified through the course of routine clinical cytogenomic testing in postnatal populations. Clinical assertions have been curated as described in Kaminsky et al. 2011.